The following is an entry in ClinVar:

ClinVar aggregate classification (germline): Benign. Review status: criteria provided, multiple submitters, no conflicts (2 of 4 stars). 3 submissions from 3 submitters: Benign (3). Last evaluated 2026-02-02.

Conditions:
Retinitis pigmentosa (RP). Identifiers: Orphanet 791, MedGen C0035334, MeSH D012174, MONDO:0019200, OMIM 268000. Inheritance: Autosomal dominant, autosomal recessive and X linked inheritance.

Allele frequency attached by ClinVar (database versions not stated): ESP Exome Variant Server 0.03125; TOPMed 0.03302; 1000 Genomes Project 0.03854; 1000 Genomes Project 30x 0.04076.

Submissions (11):

Labcorp Genetics (formerly Invitae), Labcorp
Classification: Benign. Last evaluated: 2026-02-02. Review status: criteria provided, single submitter. Criteria: Invitae Variant Classification Sherloc (09022015). Collection method: clinical testing. Allele origin: germline.

Illumina Laboratory Services, Illumina
Classification: Benign for Retinitis pigmentosa. Last evaluated: 2018-01-13. Review status: criteria provided, single submitter. Criteria: ICSL Variant Classification Criteria 13 December 2019. Collection method: clinical testing. Allele origin: germline.
Comment: This variant was observed in the ICSL laboratory as part of a predisposition screen in an ostensibly healthy population. It had not been previously curated by ICSL or reported in the Human Gene Mutation Database (HGMD: prior to June 1st, 2018), and was therefore a candidate for classification through an automated scoring system. Utilizing variant allele frequency, disease prevalence and penetrance estimates, and inheritance mode, an automated score was calculated to assess if this variant is too frequent to cause the disease. Based on the score and internal cut-off values, a variant classified as benign is not then subjected to further curation. The score for this variant resulted in a classification of benign for this disease.

Breakthrough Genomics
Classification: Benign. Review status: criteria provided, single submitter. Criteria: ACMG Guidelines, 2015. Collection method: not provided. Allele origin: germline. Inheritance: Autosomal recessive inheritance. Affected: yes.

Dr. Peter K. Rogan Lab, Western University
No classification provided (evidence only). Condition: Lung cancer. Review status: no classification provided. Collection method: in vitro. Allele origin: not applicable. Functional consequence: retained intron. Not counted in ClinVar's aggregate classification.

Dr. Peter K. Rogan Lab, Western University
No classification provided (evidence only). Condition: Acute myeloid leukemia. Review status: no classification provided. Collection method: in vitro. Allele origin: not applicable. Functional consequence: retained intron. Not counted in ClinVar's aggregate classification.

Dr. Peter K. Rogan Lab, Western University
No classification provided (evidence only). Condition: Thyroid cancer, nonmedullary, 1. Review status: no classification provided. Collection method: in vitro. Allele origin: not applicable. Functional consequence: retained intron. Not counted in ClinVar's aggregate classification.

Dr. Peter K. Rogan Lab, Western University
No classification provided (evidence only). Condition: Uterine corpus endometrial carcinoma. Review status: no classification provided. Collection method: in vitro. Allele origin: not applicable. Functional consequence: retained intron. Not counted in ClinVar's aggregate classification.

Dr. Peter K. Rogan Lab, Western University
No classification provided (evidence only). Condition: Sarcoma. Review status: no classification provided. Collection method: in vitro. Allele origin: not applicable. Functional consequence: retained intron. Not counted in ClinVar's aggregate classification.

Dr. Peter K. Rogan Lab, Western University
No classification provided (evidence only). Condition: Uterine carcinosarcoma. Review status: no classification provided. Collection method: in vitro. Allele origin: not applicable. Functional consequence: retained intron. Not counted in ClinVar's aggregate classification.

Dr. Peter K. Rogan Lab, Western University
No classification provided (evidence only). Condition: Uterine carcinosarcoma. Review status: no classification provided. Collection method: in vitro. Allele origin: not applicable. Functional consequence: retained intron. Not counted in ClinVar's aggregate classification.

Dr. Peter K. Rogan Lab, Western University
No classification provided (evidence only). Condition: Malignant tumor of esophagus. Review status: no classification provided. Collection method: in vitro. Allele origin: not applicable. Functional consequence: retained intron. Not counted in ClinVar's aggregate classification.

NM_001297.5(CNGB1):c.2881G>T (p.Ala961Ser)

Gene: CNGB1 (cyclic nucleotide gated channel subunit beta 1; minus strand). Cytogenetic location: 16q21.
Variant type: single nucleotide variant.
Coding change: c.2881G>T on transcript NM_001297.5 (MANE Select); coding-DNA position 2881, G replaced by T.
Protein change: p.Ala961Ser; replaces alanine 961 with serine.
Molecular consequence: missense variant.
Genome position (GRCh38, 1-based): chr16:57,901,539, C>A on the plus strand (G>T on the coding strand, the complement: CNGB1 is on the minus strand). VCF-style: chr16-57901539-C-A. GRCh37 (hg19) VCF-style: chr16-57935443-C-A.
Other names: c.2863G>T, p.Ala955Ser (NM_001286130.2); short protein forms A961S, A955S.
Identifiers: ClinVar variation 320068 (VCV000320068.16), dbSNP rs16942445, ClinGen allele CA8082790.